The following is an entry in ClinVar:

ClinVar aggregate classification (germline): Likely benign. Review status: criteria provided, multiple submitters, no conflicts (2 of 4 stars). 2 submissions from 2 submitters: Likely benign (2). Last evaluated 2026-04-01.

Allele frequency attached by ClinVar (database versions not stated): gnomAD 0.00001; ExAC 0.00006.
gnomAD v4.1: 17 of 1,614,020 alleles (0.0011%); highest among the groups gnomAD compares: Non-Finnish European, 0.0013%; no homozygotes.

Submissions (2):

CeGaT Center for Human Genetics Tuebingen
Classification: Likely benign. Last evaluated: 2026-04-01. Review status: criteria provided, single submitter. Criteria: CeGaT Center For Human Genetics Tuebingen Variant Classification Criteria Version 2. Collection method: clinical testing. Allele origin: germline. Affected: yes. Observed: 1 variant allele.
Comment: CDC6: BP4, BP7

Labcorp Genetics (formerly Invitae), Labcorp
Classification: Likely benign. Last evaluated: 2026-01-12. Review status: criteria provided, single submitter. Criteria: Invitae Variant Classification Sherloc (09022015). Collection method: clinical testing. Allele origin: germline.

NM_001254.4(CDC6):c.270A>C (p.Thr90=)

Gene: CDC6 (cell division cycle 6; plus strand). Cytogenetic location: 17q21.2.
Variant type: single nucleotide variant.
Coding change: c.270A>C on transcript NM_001254.4 (MANE Select); coding-DNA position 270, A replaced by C.
Protein change: p.Thr90=; no amino-acid change (threonine 90 retained).
Molecular consequence: synonymous variant.
Genome position (GRCh38, 1-based): chr17:40,291,149, A>C. VCF-style: chr17-40291149-A-C. GRCh37 (hg19) VCF-style: chr17-38447401-A-C.
Identifiers: ClinVar variation 2969456 (VCV002969456.5), dbSNP rs774685069, ClinGen allele CA8541852.
Genomic context (GRCh38, chr17:40,291,149, plus strand): 5'-ACCTCCTTGTTCTCCACCAAAGCAAGGCAAGAAAGAGAATGGTCCCCCTCACTCACATAC[A>C]CTTAAGGGACGAAGATTGGTATTTGACAATCAGCTGACAATTAAGTCTCCTAGCAAAAGA-3'
Protein context (NP_001245.1, residues 80-100): KKENGPPHSH[Thr90=]LKGRRLVFDN